The following is an entry in ClinVar:

ClinVar aggregate classification (germline): Likely benign (0 of 4 stars; one submission).

Conditions:
DAAM2-related disorder. Also called: DAAM2-related condition.

Allele frequency attached by ClinVar (database versions not stated): gnomAD exomes 0.00006; TOPMed 0.00095; 1000 Genomes Project 30x 0.00156; 1000 Genomes Project 0.00160; ExAC 0.00024; ESP Exome Variant Server 0.00049; gnomAD 0.00082.
gnomAD v4.1: 221 of 1,611,842 alleles (0.014%); highest among the groups gnomAD compares: African/African-American, 0.21%; 1 homozygote.

Submission:

PreventionGenetics, part of Exact Sciences
Classification: Likely benign for DAAM2-related condition. Last evaluated: 2022-02-17. Review status: no assertion criteria provided. Collection method: clinical testing. Allele origin: germline.
Comment: This variant is classified as likely benign based on ACMG/AMP sequence variant interpretation guidelines (Richards et al. 2015 PMID: 25741868, with internal and published modifications).

NM_001201427.2(DAAM2):c.3160G>A (p.Ala1054Thr)

Gene: DAAM2 (dishevelled associated activator of morphogenesis 2; plus strand). Cytogenetic location: 6p21.2.
Variant type: single nucleotide variant.
Coding change: c.3160G>A on transcript NM_001201427.2 (MANE Select); coding-DNA position 3160, G replaced by A.
Protein change: p.Ala1054Thr; replaces alanine 1054 with threonine.
Molecular consequence: missense variant.
Genome position (GRCh38, 1-based): chr6:39,901,990, G>A. VCF-style: chr6-39901990-G-A. GRCh37 (hg19) VCF-style: chr6-39869766-G-A.
Other names: c.3157G>A, p.Ala1053Thr (NM_015345.4); short protein forms A1053T, A1054T.
Identifiers: ClinVar variation 3054450 (VCV003054450.2), dbSNP rs185160084, ClinGen allele CA3795566.
Genomic context (GRCh38, chr6:39,901,990, plus strand): 5'-GAGGTCTTCGACAAGGACTTATGCAAGCTCAAGCGCAGCCGCAAGCGATCAGGGAGCCAG[G>A]CCCTGGAAGTTACCCGGGAGCGGGCAATAAACCGGCTAAATTATTGACCTGGGGAACTAG-3'
Protein context (NP_001188356.1, residues 1044-1064): KRSRKRSGSQ[Ala1054Thr]LEVTRERAIN